The following is an entry in ClinVar:

NM_198904.4(GABRG2):c.1037T>G (p.Val346Gly)

Gene: GABRG2 (gamma-aminobutyric acid type A receptor subunit gamma2; plus strand). Cytogenetic location: 5q34.
Variant type: single nucleotide variant.
Coding change: c.1037T>G on transcript NM_198904.4 (MANE Select); coding-DNA position 1037, T replaced by G.
Protein change: p.Val346Gly; replaces valine 346 with glycine.
Molecular consequence: missense variant. On other transcripts: intron variant (1).
Genome position (GRCh38, 1-based): chr5:162,149,222, T>G. VCF-style: chr5-162149222-T-G. GRCh37 (hg19) VCF-style: chr5-161576228-T-G.
Other names: c.1037T>G, p.Val346Gly (NM_000816.3); c.1028T>G, p.Val343Gly (NM_001375339.1); c.1034T>G, p.Val345Gly (NM_001375341.1, NM_001375342.1); c.1157T>G, p.Val386Gly (NM_001375343.1, NM_198903.2); c.1076T>G, p.Val359Gly (NM_001375344.1); c.971T>G, p.Val324Gly (NM_001375345.1, NM_001375346.1); c.950T>G, p.Val317Gly (NM_001375347.1); c.617T>G, p.Val206Gly (NM_001375348.1, NM_001375350.1); and 2 more; short protein forms V324G, V346G, V206G, V386G, V251G, V317G, V359G, V343G.
Identifiers: ClinVar variation 2949442 (VCV002949442.3), dbSNP rs2532756638, ClinGen allele CA362182542.

ClinVar aggregate classification (germline): Uncertain significance (1 of 4 stars; one submission).

Conditions:
EPILEPSY, CHILDHOOD ABSENCE, SUSCEPTIBILITY TO, 2 (ECA2). Identifiers: Orphanet 64280, MedGen C1843244, OMIM 607681.
Febrile seizures, familial, 8 (FEB8). Also called: CONVULSIONS, FAMILIAL FEBRILE, 8. Identifiers: Orphanet 36387, MedGen C1969810, MONDO:0011891, OMIM 607681.

Submission:

Labcorp Genetics (formerly Invitae), Labcorp
Classification: Uncertain significance for Febrile seizures, familial, 8; EPILEPSY, CHILDHOOD ABSENCE, SUSCEPTIBILITY TO, 2. Last evaluated: 2023-06-29. Review status: criteria provided, single submitter. Criteria: Invitae Variant Classification Sherloc (09022015). Collection method: clinical testing. Allele origin: germline.
Comment: This sequence change replaces valine, which is neutral and non-polar, with glycine, which is neutral and non-polar, at codon 346 of the GABRG2 protein (p.Val346Gly). This variant is not present in population databases (gnomAD no frequency). This variant has not been reported in the literature in individuals affected with GABRG2-related conditions. Advanced modeling of protein sequence and biophysical properties (such as structural, functional, and spatial information, amino acid conservation, physicochemical variation, residue mobility, and thermodynamic stability) performed at Invitae indicates that this missense variant is expected to disrupt GABRG2 protein function. In summary, the available evidence is currently insufficient to determine the role of this variant in disease. Therefore, it has been classified as a Variant of Uncertain Significance.